The following is an entry in ClinVar:

ClinVar aggregate classification (germline): Uncertain significance (1 of 4 stars; one submission).

Conditions:
Andersen Tawil syndrome (LQT7). Also called: PERIODIC PARALYSIS, POTASSIUM-SENSITIVE CARDIODYSRHYTHMIC TYPE; Andersen Syndrome; LONG QT SYNDROME 7; ANDERSEN CARDIODYSRHYTHMIC PERIODIC PARALYSIS; Potassium-sensitive periodic paralysis, ventricular ectopy, and dysmorphic features. Identifiers: Orphanet 37553, MedGen C1563715, MONDO:0008222, OMIM 170390.
Short QT syndrome type 3. Identifiers: Orphanet 51083, MedGen C1865018, MONDO:0012314, OMIM 609622.

Allele frequency attached by ClinVar (database versions not stated): gnomAD 0.00001; TOPMed 0.00001.
gnomAD v4.1: 6 of 1,614,100 alleles (0.00037%); highest among the groups gnomAD compares: East Asian, 0.0022%; no homozygotes.

Submission:

Labcorp Genetics (formerly Invitae), Labcorp
Classification: Uncertain significance for Short QT syndrome type 3; Andersen Tawil syndrome. Last evaluated: 2025-06-13. Review status: criteria provided, single submitter. Criteria: Invitae Variant Classification Sherloc (09022015). Collection method: clinical testing. Allele origin: germline.
Comment: This sequence change replaces arginine, which is basic and polar, with glutamine, which is neutral and polar, at codon 213 of the KCNJ2 protein (p.Arg213Gln). This variant is present in population databases (no rsID available, gnomAD 0.06%). This variant has not been reported in the literature in individuals affected with KCNJ2-related conditions. ClinVar contains an entry for this variant (Variation ID: 2161087). Invitae Evidence Modeling of protein sequence and biophysical properties (such as structural, functional, and spatial information, amino acid conservation, physicochemical variation, residue mobility, and thermodynamic stability) indicates that this missense variant is expected to disrupt KCNJ2 protein function with a positive predictive value of 95%. In summary, the available evidence is currently insufficient to determine the role of this variant in disease. Therefore, it has been classified as a Variant of Uncertain Significance.

NM_000891.3(KCNJ2):c.638G>A (p.Arg213Gln)

Gene: KCNJ2 (potassium inwardly rectifying channel subfamily J member 2; plus strand). Cytogenetic location: 17q24.3.
Variant type: single nucleotide variant.
Coding change: c.638G>A on transcript NM_000891.3 (MANE Select); coding-DNA position 638, G replaced by A.
Protein change: p.Arg213Gln; replaces arginine 213 with glutamine.
Molecular consequence: missense variant.
Genome position (GRCh38, 1-based): chr17:70,175,677, G>A. VCF-style: chr17-70175677-G-A. GRCh37 (hg19) VCF-style: chr17-68171818-G-A.
Other names: short protein forms R213Q.
Identifiers: ClinVar variation 2161087 (VCV002161087.4), dbSNP rs1277440117, ClinGen allele CA400861416.